The following is an entry in ClinVar:

NM_000718.4(CACNA1B):c.6335A>G (p.Gln2112Arg)

Gene: CACNA1B (calcium voltage-gated channel subunit alpha1 B; plus strand). Cytogenetic location: 9q34.3.
Variant type: single nucleotide variant.
Coding change: c.6335A>G on transcript NM_000718.4 (MANE Select); coding-DNA position 6335, A replaced by G.
Protein change: p.Gln2112Arg; replaces glutamine 2112 with arginine.
Molecular consequence: missense variant.
Genome position (GRCh38, 1-based): chr9:138,120,727, A>G. VCF-style: chr9-138120727-A-G. GRCh37 (hg19) VCF-style: chr9-141015179-A-G.
Other names: c.6335A>G, p.Gln2112Arg (NM_001243812.2); short protein forms Q2112R.
Identifiers: ClinVar variation 2006552 (VCV002006552.4), dbSNP rs1962059593, ClinGen allele CA375822986.

ClinVar aggregate classification (germline): Uncertain significance (1 of 4 stars; one submission).

Allele frequency attached by ClinVar (database versions not stated): gnomAD exomes below 0.00001.
gnomAD v4.1: 2 of 1,537,188 alleles (0.00013%); highest among the groups gnomAD compares: Non-Finnish European, 0.00017%; no homozygotes.

Submission:

Labcorp Genetics (formerly Invitae), Labcorp
Classification: Uncertain significance. Last evaluated: 2022-06-14. Review status: criteria provided, single submitter. Criteria: Invitae Variant Classification Sherloc (09022015). Collection method: clinical testing. Allele origin: germline.
Comment: In summary, the available evidence is currently insufficient to determine the role of this variant in disease. Therefore, it has been classified as a Variant of Uncertain Significance. Advanced modeling of protein sequence and biophysical properties (such as structural, functional, and spatial information, amino acid conservation, physicochemical variation, residue mobility, and thermodynamic stability) performed at Invitae indicates that this missense variant is not expected to disrupt CACNA1B protein function. This variant has not been reported in the literature in individuals affected with CACNA1B-related conditions. This variant is not present in population databases (gnomAD no frequency). This sequence change replaces glutamine, which is neutral and polar, with arginine, which is basic and polar, at codon 2112 of the CACNA1B protein (p.Gln2112Arg).